The following is an entry in ClinVar:

NM_173500.4(TTBK2):c.580T>C (p.Ser194Pro)

Gene: TTBK2 (tau tubulin kinase 2; minus strand). Cytogenetic location: 15q15.2.
Variant type: single nucleotide variant.
Coding change: c.580T>C on transcript NM_173500.4 (MANE Select); coding-DNA position 580, T replaced by C.
Protein change: p.Ser194Pro; replaces serine 194 with proline.
Molecular consequence: missense variant.
Genome position (GRCh38, 1-based): chr15:42,817,055, A>G on the plus strand (T>C on the coding strand, the complement: TTBK2 is on the minus strand). VCF-style: chr15-42817055-A-G. GRCh37 (hg19) VCF-style: chr15-43109253-A-G.
Other names: short protein forms S194P.
Identifiers: ClinVar variation 3608624 (VCV003608624.2).

ClinVar aggregate classification (germline): Uncertain significance (1 of 4 stars; one submission).

gnomAD v4.1: 2 of 1,607,386 alleles (0.00012%); highest among the groups gnomAD compares: Non-Finnish European, 0.00017%; no homozygotes.

Submission:

Labcorp Genetics (formerly Invitae), Labcorp
Classification: Uncertain significance. Last evaluated: 2024-07-19. Review status: criteria provided, single submitter. Criteria: Invitae Variant Classification Sherloc (09022015). Collection method: clinical testing. Allele origin: germline.
Comment: This sequence change replaces serine, which is neutral and polar, with proline, which is neutral and non-polar, at codon 194 of the TTBK2 protein (p.Ser194Pro). This variant is not present in population databases (gnomAD no frequency). This variant has not been reported in the literature in individuals affected with TTBK2-related conditions. Advanced modeling of protein sequence and biophysical properties (such as structural, functional, and spatial information, amino acid conservation, physicochemical variation, residue mobility, and thermodynamic stability) performed at Invitae indicates that this missense variant is expected to disrupt TTBK2 protein function with a positive predictive value of 80%. In summary, the available evidence is currently insufficient to determine the role of this variant in disease. Therefore, it has been classified as a Variant of Uncertain Significance.